The following is an entry in ClinVar:

NM_015313.3(ARHGEF12):c.4449_4455del (p.Met1483fs)

Gene: ARHGEF12 (Rho guanine nucleotide exchange factor 12; plus strand). Cytogenetic location: 11q23.3.
Variant type: Deletion.
Coding change: c.4449_4455del on transcript NM_015313.3 (MANE Select); coding-DNA positions 4449 to 4455, 7 bases deleted (GGAGTAT; older notation c.4449_4455delGGAGTAT).
Protein change: p.Met1483fs; shifts the reading frame from methionine 1483.
Molecular consequence: frameshift variant.
Genome position (GRCh38, 1-based): chr11:120,481,471-120,481,477, GGAGTAT deleted; deleting any 7 consecutive bases within chr11:120,481,468-120,481,477 gives the same sequence; the c. name uses the placement nearest the transcript's 3' end. VCF-style (leftmost placement, unchanged base first): chr11-120481467-CTATGGAG-C. GRCh37 (hg19) VCF-style: chr11-120352176-CTATGGAG-C.
Other names: c.4392_4398del, p.Met1464fs (NM_001198665.2); c.4140_4146del, p.Met1380fs (NM_001301084.2); short protein forms M1380fs, M1464fs, M1483fs.
Identifiers: ClinVar variation 2431657 (VCV002431657.2), dbSNP rs2498071485, ClinGen allele CA2580083689.
Genomic context (GRCh38, chr11:120,481,467, plus strand): 5'-ACTCCGATGGGGCAATTTCACCATTCACCCCCGAATTTCTGGTCCAGCAGCGCTGGGGAG[CTATGGAG>C]TATTCCTGTTTTGAGATCCAGAGTCCCTCCTCTTGTGCAGATTCACAGAGCCAGATCATG-3'

ClinVar aggregate classification (germline): Uncertain significance (1 of 4 stars; one submission).

Conditions:
Glaucoma. Identifiers: MedGen C0017601, MONDO:0005041, HP:0000501.

Submission:

Laboratorio de Genetica e Diagnostico Molecular, Hospital Israelita Albert Einstein
Classification: Uncertain significance for Glaucoma. Last evaluated: 2022-08-05. Review status: criteria provided, single submitter. Criteria: ACMG Guidelines, 2015. Collection method: clinical testing. Allele origin: germline. Affected: yes. Observed: 1 variant allele.
Comment: ACMG classification criteria: PM2 moderated